The following is an entry in ClinVar:

ClinVar aggregate classification (germline): Uncertain significance. Review status: criteria provided, multiple submitters, no conflicts (2 of 4 stars). 2 submissions from 2 submitters: Uncertain significance (2). Last evaluated 2025-05-23.

Conditions:
Hereditary cancer-predisposing syndrome. Also called: Tumor predisposition; Hereditary Cancer Syndrome; Neoplastic Syndromes, Hereditary; Hereditary neoplastic syndrome. Identifiers: Orphanet 140162, MedGen C0027672, MeSH D009386, MONDO:0015356.

Submissions (2):

Ambry Genetics
Classification: Uncertain significance for Hereditary cancer-predisposing syndrome. Last evaluated: 2025-05-23. Review status: criteria provided, single submitter. Criteria: Ambry Variant Classification Scheme 2023. Collection method: clinical testing. Allele origin: germline.
Comment: The p.E317G variant (also known as c.950A>G), located in coding exon 7 of the RAD50 gene, results from an A to G substitution at nucleotide position 950. The glutamic acid at codon 317 is replaced by glycine, an amino acid with similar properties. This amino acid position is highly conserved in available vertebrate species. In addition, this alteration is predicted to be tolerated by in silico analysis. Since supporting evidence is limited at this time, the clinical significance of this alteration remains unclear.

Labcorp Genetics (formerly Invitae), Labcorp
Classification: Uncertain significance for Hereditary cancer-predisposing syndrome. Last evaluated: 2022-03-07. Review status: criteria provided, single submitter. Criteria: Invitae Variant Classification Sherloc (09022015). Collection method: clinical testing. Allele origin: germline.
Comment: In summary, the available evidence is currently insufficient to determine the role of this variant in disease. Therefore, it has been classified as a Variant of Uncertain Significance. Algorithms developed to predict the effect of missense changes on protein structure and function are either unavailable or do not agree on the potential impact of this missense change (SIFT: "Deleterious"; PolyPhen-2: "Benign"; Align-GVGD: "Class C0"). ClinVar contains an entry for this variant (Variation ID: 823300). This variant has not been reported in the literature in individuals affected with RAD50-related conditions. This variant is not present in population databases (gnomAD no frequency). This sequence change replaces glutamic acid, which is acidic and polar, with glycine, which is neutral and non-polar, at codon 317 of the RAD50 protein (p.Glu317Gly).

NM_005732.4(RAD50):c.950A>G (p.Glu317Gly)

Gene: RAD50 (RAD50 double strand break repair protein; plus strand). Cytogenetic location: 5q31.1.
Variant type: single nucleotide variant.
Coding change: c.950A>G on transcript NM_005732.4 (MANE Select); coding-DNA position 950, A replaced by G.
Protein change: p.Glu317Gly; replaces glutamic acid 317 with glycine.
Molecular consequence: missense variant.
Genome position (GRCh38, 1-based): chr5:132,587,988, A>G. VCF-style: chr5-132587988-A-G. GRCh37 (hg19) VCF-style: chr5-131923680-A-G.
Other names: short protein forms E317G.
Identifiers: ClinVar variation 823300 (VCV000823300.13), dbSNP rs1580992173, ClinGen allele CA360941043.